The following is an entry in ClinVar:

NM_002335.4(LRP5):c.2637C>T (p.Arg879=)

Gene: LRP5 (LDL receptor related protein 5; plus strand). Cytogenetic location: 11q13.2.
Variant type: single nucleotide variant.
Coding change: c.2637C>T on transcript NM_002335.4 (MANE Select); coding-DNA position 2637, C replaced by T.
Protein change: p.Arg879=; no amino-acid change (arginine 879 retained).
Molecular consequence: synonymous variant.
Genome position (GRCh38, 1-based): chr11:68,413,822, C>T. VCF-style: chr11-68413822-C-T. GRCh37 (hg19) VCF-style: chr11-68181290-C-T.
Other names: c.894C>T, p.Arg298= (NM_001291902.2).
Identifiers: ClinVar variation 747820 (VCV000747820.13), dbSNP rs141174027, ClinGen allele CA6149706.
Genomic context (GRCh38, chr11:68,413,822, plus strand): 5'-CTGGACAGACTGGAATCTGCACAGCATTGAGCGGGCCGACAAGACTAGCGGCCGGAACCG[C>T]ACCCTCATCCAGGGCCACCTGGACTTCGTGATGGACATCCTGGTGTTCCACTCCTCCCGC-3'
Protein context (NP_002326.2, residues 869-889): ERADKTSGRN[Arg879=]TLIQGHLDFV

ClinVar aggregate classification (germline): Benign/Likely benign. Review status: criteria provided, multiple submitters, no conflicts (2 of 4 stars). 3 submissions from 3 submitters: Benign (1); Likely benign (1). 1 of the submissions does not count toward it. Last evaluated 2026-01-12.

Conditions:
LRP5-related disorder. Also called: LRP5-related condition.

Allele frequency attached by ClinVar (database versions not stated): gnomAD exomes 0.00006 and 0.00015; ExAC 0.00012; 1000 Genomes Project 30x 0.00016; 1000 Genomes Project 0.00020; ESP Exome Variant Server 0.00038; gnomAD 0.00060 and 0.00069; TOPMed 0.00069.
gnomAD v4.1: 185 of 1,613,760 alleles (0.011%); highest among the groups gnomAD compares: African/African-American, 0.22%; no homozygotes.

Submissions (3):

Labcorp Genetics (formerly Invitae), Labcorp
Classification: Benign. Last evaluated: 2026-01-12. Review status: criteria provided, single submitter. Criteria: Invitae Variant Classification Sherloc (09022015). Collection method: clinical testing. Allele origin: germline.

Blueprint Genetics
Classification: Likely benign. Last evaluated: 2023-12-13. Review status: criteria provided, single submitter. Criteria: ACMG Guidelines, 2015. Collection method: clinical testing. Allele origin: germline.

PreventionGenetics, part of Exact Sciences
Classification: Likely benign for LRP5-related condition. Last evaluated: 2019-11-01. Review status: no assertion criteria provided. Collection method: clinical testing. Allele origin: germline. Not counted in ClinVar's aggregate classification.
Comment: This variant is classified as likely benign based on ACMG/AMP sequence variant interpretation guidelines (Richards et al. 2015 PMID: 25741868, with internal and published modifications).